The following is an entry in ClinVar:

ClinVar aggregate classification (germline): Benign. Review status: criteria provided, multiple submitters, no conflicts (2 of 4 stars). 15 submissions from 13 submitters: Benign (11). 4 of the submissions do not count toward it. Last evaluated 2026-02-04.

Conditions:
Bethlem myopathy 1A. Also called: Bethlem Muscular Dystrophy; MYOPATHY, BENIGN CONGENITAL, WITH CONTRACTURES; Bethlem myopathy 1. Identifiers: Orphanet 610, MedGen CN029274, MONDO:0024530, OMIM 158810.
Myosclerosis. Also called: MYOPATHY, MYOSCLEROTIC; MYOSCLEROSIS, CONGENITAL, OF LOWENTHAL; Myosclerosis, congenital. Identifiers: Orphanet 289380, MedGen C1850671, MONDO:0009714, OMIM 255600.
Collagen 6-related myopathy. Identifiers: MedGen CN117976, MONDO:0100225.
Ullrich congenital muscular dystrophy 1A. Also called: Intermediate COL6-RD; Ullrich congenital muscular dystrophy 1. Identifiers: Orphanet 75840, MedGen C0410179, MONDO:0009681, OMIM 254090.

Allele frequency attached by ClinVar (database versions not stated): ExAC 0.81220; gnomAD exomes 0.81577; 1000 Genomes Project 0.84744; 1000 Genomes Project 30x 0.85134; gnomAD 0.85505 and 0.86241; ESP Exome Variant Server 0.86087; TOPMed 0.87257.
gnomAD v4.1: 1,318,290 of 1,611,788 alleles (82%); highest among the groups gnomAD compares: African/African-American, 95%; 542,191 homozygotes.

Submissions (15):

Labcorp Genetics (formerly Invitae), Labcorp
Classification: Benign for Bethlem myopathy 1A. Last evaluated: 2026-02-04. Review status: criteria provided, single submitter. Criteria: Invitae Variant Classification Sherloc (09022015). Collection method: clinical testing. Allele origin: germline.

Blueprint Genetics
Classification: Benign. Last evaluated: 2024-11-28. Review status: criteria provided, single submitter. Criteria: ACMG Guidelines, 2015. Collection method: clinical testing. Allele origin: germline.

Genome-Nilou Lab
Classification: Benign for Myosclerosis. Last evaluated: 2021-07-30. Review status: criteria provided, single submitter. Criteria: ACMG Guidelines, 2015. Collection method: clinical testing. Allele origin: germline. Affected: no.

Genome-Nilou Lab
Classification: Benign for Bethlem myopathy 1A. Last evaluated: 2021-07-30. Review status: criteria provided, single submitter. Criteria: ACMG Guidelines, 2015. Collection method: clinical testing. Allele origin: germline. Affected: no.

Genome-Nilou Lab
Classification: Benign for Ullrich congenital muscular dystrophy 1A. Last evaluated: 2021-07-30. Review status: criteria provided, single submitter. Criteria: ACMG Guidelines, 2015. Collection method: clinical testing. Allele origin: germline. Affected: no.

Illumina Laboratory Services, Illumina
Classification: Benign for Collagen VI-related myopathy. Last evaluated: 2018-01-13. Review status: criteria provided, single submitter. Criteria: ICSL Variant Classification Criteria 13 December 2019. Collection method: clinical testing. Allele origin: germline.
Comment: This variant was observed in the ICSL laboratory as part of a predisposition screen in an ostensibly healthy population. It had not been previously curated by ICSL or reported in the Human Gene Mutation Database (HGMD: prior to June 1st, 2018), and was therefore a candidate for classification through an automated scoring system. Utilizing variant allele frequency, disease prevalence and penetrance estimates, and inheritance mode, an automated score was calculated to assess if this variant is too frequent to cause the disease. Based on the score and internal cut-off values, a variant classified as benign is not then subjected to further curation. The score for this variant resulted in a classification of benign for this disease.

Mayo Clinic Laboratories, Mayo Clinic
Classification: Benign. Last evaluated: 2017-10-04. Review status: criteria provided, single submitter. Criteria: ACMG Guidelines, 2015. Collection method: clinical testing. Allele origin: germline. Observed: 722 variant alleles.

GeneDx
Classification: Benign. Last evaluated: 2015-12-30. Review status: criteria provided, single submitter. Criteria: GeneDx Variant Classification (06012015). Collection method: clinical testing. Allele origin: germline. Affected: yes.
Comment: This variant is considered likely benign or benign based on one or more of the following criteria: it is a conservative change, it occurs at a poorly conserved position in the protein, it is predicted to be benign by multiple in silico algorithms, and/or has population frequency not consistent with disease.

Eurofins Ntd Llc (ga)
Classification: Benign. Last evaluated: 2012-07-31. Review status: criteria provided, single submitter. Criteria: EGL Classification Definitions 2015. Collection method: clinical testing. Allele origin: germline. Observed: 90 variant alleles, 27 heterozygotes, 64 homozygotes.

Breakthrough Genomics
Classification: Benign. Review status: criteria provided, single submitter. Criteria: ACMG Guidelines, 2015. Collection method: not provided. Allele origin: germline. Inheritance: Autosomal recessive inheritance. Affected: yes.

PreventionGenetics, part of Exact Sciences
Classification: Benign. Review status: criteria provided, single submitter. Criteria: ACMG Guidelines, 2015. Collection method: clinical testing. Allele origin: germline.

Clinical Genetics, Academic Medical Center
Classification: Benign. Review status: no assertion criteria provided. Collection method: clinical testing. Allele origin: germline. Affected: yes. Study: VKGL Data-share Consensus. Not counted in ClinVar's aggregate classification.

Diagnostic Laboratory, Department of Genetics, University Medical Center Groningen
Classification: Benign. Review status: no assertion criteria provided. Collection method: clinical testing. Allele origin: germline. Affected: yes. Study: VKGL Data-share Consensus. Not counted in ClinVar's aggregate classification.

Genetic Services Laboratory, University of Chicago
Classification: Likely benign for AllHighlyPenetrant. Review status: no assertion criteria provided. Collection method: clinical testing. Allele origin: germline. Not counted in ClinVar's aggregate classification.
Comment: Likely benign based on allele frequency in 1000 Genomes Project or ESP global frequency and its presence in a patient with a rare or unrelated disease phenotype. NOT Sanger confirmed.

Joint Genome Diagnostic Labs from Nijmegen and Maastricht, Radboudumc and MUMC+
Classification: Benign. Review status: no assertion criteria provided. Collection method: clinical testing. Allele origin: germline. Affected: yes. Study: VKGL Data-share Consensus. Not counted in ClinVar's aggregate classification.

NM_001849.4(COL6A2):c.1671+10A>G

Gene: COL6A2 (collagen type VI alpha 2 chain; plus strand). Cytogenetic location: 21q22.3.
Variant type: single nucleotide variant.
Coding change: c.1671+10A>G on transcript NM_001849.4 (MANE Select); 10 bases into the intron after coding-DNA position 1671, A replaced by G.
Molecular consequence: intron variant.
Genome position (GRCh38, 1-based): chr21:46,122,947, A>G. VCF-style: chr21-46122947-A-G. GRCh37 (hg19) VCF-style: chr21-47542861-A-G.
Other names: p.?; c.1671+10A>G (NM_058175.3, NM_058174.3).
Identifiers: ClinVar variation 93914 (VCV000093914.35), dbSNP rs915786, ClinGen allele CA147438.